The following is an entry in ClinVar:

NM_144628.4(TBC1D20):c.1102G>A (p.Val368Met)

Gene: TBC1D20 (TBC1 domain family member 20; minus strand). Cytogenetic location: 20p13.
Variant type: single nucleotide variant.
Coding change: c.1102G>A on transcript NM_144628.4 (MANE Select); coding-DNA position 1102, G replaced by A.
Protein change: p.Val368Met; replaces valine 368 with methionine.
Molecular consequence: missense variant. On other transcripts: non-coding transcript variant (1).
Genome position (GRCh38, 1-based): chr20:438,696, C>T on the plus strand (G>A on the coding strand, the complement: TBC1D20 is on the minus strand). VCF-style: chr20-438696-C-T. GRCh37 (hg19) VCF-style: chr20-419340-C-T.
Other names: short protein forms V368M.
Identifiers: ClinVar variation 1375084 (VCV001375084.6), dbSNP rs2122379084, ClinGen allele CA407942366.
Genomic context (GRCh38, chr20:438,696, plus strand): 5'-TCACCACAGCCAGTGCAGCCGCTCCAAGTGCCACTGTCAGCCCCATCACTGCCAATTTCA[C>T]AAAGCGGTTGGTCCTTGGCTTGGTCAGGACATCTTTTGTTCGATCTTCAGGCCGCAGAAG-3'
Protein context (NP_653229.1, residues 358-378): VLTKPRTNRF[Val368Met]KLAVMGLTVA

ClinVar aggregate classification (germline): Uncertain significance (1 of 4 stars; one submission).

Submission:

Labcorp Genetics (formerly Invitae), Labcorp
Classification: Uncertain significance. Last evaluated: 2022-11-08. Review status: criteria provided, single submitter. Criteria: Invitae Variant Classification Sherloc (09022015). Collection method: clinical testing. Allele origin: germline.
Comment: This variant is not present in population databases (gnomAD no frequency). This sequence change replaces valine, which is neutral and non-polar, with methionine, which is neutral and non-polar, at codon 368 of the TBC1D20 protein (p.Val368Met). This variant has not been reported in the literature in individuals affected with TBC1D20-related conditions. ClinVar contains an entry for this variant (Variation ID: 1375084). Algorithms developed to predict the effect of missense changes on protein structure and function (SIFT, PolyPhen-2, Align-GVGD) all suggest that this variant is likely to be tolerated. In summary, the available evidence is currently insufficient to determine the role of this variant in disease. Therefore, it has been classified as a Variant of Uncertain Significance.